The following is an entry in ClinVar:

NM_001042492.3(NF1):c.5226_5234del (p.Asn1742_Leu1744del)

Gene: NF1 (neurofibromin 1; plus strand). Cytogenetic location: 17q11.2.
Variant type: Deletion.
Coding change: c.5226_5234del on transcript NM_001042492.3 (MANE Select); coding-DNA positions 5226 to 5234, 9 bases deleted (TGCTCTCAA; older notation c.5226_5234delTGCTCTCAA).
Protein change: p.Asn1742_Leu1744del.
Molecular consequence: inframe deletion. On other transcripts: inframe indel (1).
Genome position (GRCh38, 1-based): chr17:31,326,210-31,326,218, TGCTCTCAA deleted; deleting any 9 consecutive bases within chr17:31,326,207-31,326,218 gives the same sequence; the c. name uses the placement nearest the transcript's 3' end. VCF-style (leftmost placement, unchanged base first): chr17-31326206-ACAATGCTCT-A. GRCh37 (hg19) VCF-style: chr17-29653224-ACAATGCTCT-A.
Other names: c.5163_5171delTGCTCTCAA, p.Asn1721_Leu1723del (NM_000267.4).
Identifiers: ClinVar variation 2863384 (VCV002863384.3), dbSNP rs2508698358, ClinGen allele CA2739267462.

ClinVar aggregate classification (germline): Uncertain significance (1 of 4 stars; one submission).

Conditions:
Neurofibromatosis, type 1 (NF1). Also called: Neurofibromatosis, type I; NEUROFIBROMATOSIS, TYPE I, SOMATIC; Peripheral type neurofibromatosis; VON RECKLINGHAUSEN DISEASE. Identifiers: Orphanet 636, MedGen C0027831, MONDO:0018975, OMIM 162200. Disease mechanism: loss of function.

Submission:

Labcorp Genetics (formerly Invitae), Labcorp
Classification: Uncertain significance for Neurofibromatosis, type 1. Last evaluated: 2023-07-19. Review status: criteria provided, single submitter. Criteria: Invitae Variant Classification Sherloc (09022015). Collection method: clinical testing. Allele origin: germline.
Comment: In summary, the available evidence is currently insufficient to determine the role of this variant in disease. Therefore, it has been classified as a Variant of Uncertain Significance. Experimental studies and prediction algorithms are not available or were not evaluated, and the functional significance of this variant is currently unknown. This variant has not been reported in the literature in individuals affected with NF1-related conditions. This variant is not present in population databases (gnomAD no frequency). This variant, c.5163_5171del, results in the deletion of 3 amino acid(s) of the NF1 protein (p.Asn1721_Leu1723del), but otherwise preserves the integrity of the reading frame.